The following is an entry in ClinVar:

ClinVar aggregate classification (germline): Conflicting classifications of pathogenicity. Review status: criteria provided, conflicting classifications (1 of 4 stars). 8 submissions from 8 submitters: Uncertain significance (1); Likely benign (4). 3 of the submissions do not count toward it. Last evaluated 2026-01-25.

Conditions:
Cystic fibrosis (CF). Also called: MUCOVISCIDOSIS. Identifiers: Orphanet 586, MedGen C0010674, MONDO:0009061, OMIM 219700. Disease mechanism: loss of function.
CFTR-related disorder (CFTR-RD). Also called: CFTR-related disorders; CFTR-related condition. Identifiers: MedGen C5924204, MONDO:7770004.

Allele frequency attached by ClinVar (database versions not stated): gnomAD exomes 0.00004 and 0.00011; ESP Exome Variant Server 0.00008; TOPMed 0.00008; gnomAD 0.00009; ExAC 0.00013; 1000 Genomes Project 30x 0.00016; 1000 Genomes Project 0.00020.
gnomAD v4.1: 70 of 1,613,414 alleles (0.0043%); highest among the groups gnomAD compares: East Asian, 0.038%; 1 homozygote.

Submissions (8):

Labcorp Genetics (formerly Invitae), Labcorp
Classification: Likely benign for Cystic fibrosis. Last evaluated: 2026-01-25. Review status: criteria provided, single submitter. Criteria: Invitae Variant Classification Sherloc (09022015). Collection method: clinical testing. Allele origin: germline.

Blueprint Genetics
Classification: Likely benign. Last evaluated: 2023-10-26. Review status: criteria provided, single submitter. Criteria: ACMG Guidelines, 2015. Collection method: clinical testing. Allele origin: germline.

Ambry Genetics
Classification: Likely benign for Cystic fibrosis. Last evaluated: 2020-08-28. Review status: criteria provided, single submitter. Criteria: Ambry Variant Classification Scheme 2023. Collection method: clinical testing. Allele origin: germline.

Women's Health and Genetics/Laboratory Corporation of America, LabCorp
Classification: Likely benign. Last evaluated: 2019-08-28. Review status: criteria provided, single submitter. Criteria: LabCorp Variant Classification Summary - May 2015. Collection method: clinical testing. Allele origin: germline.

Eurofins Ntd Llc (ga)
Classification: Uncertain significance. Last evaluated: 2013-06-20. Review status: criteria provided, single submitter. Criteria: EGL Classification Definitions 2015. Collection method: clinical testing. Allele origin: germline. Observed: 1 variant allele, 1 heterozygote.

PreventionGenetics, part of Exact Sciences
Classification: Likely benign for CFTR-related condition. Last evaluated: 2021-05-13. Review status: no assertion criteria provided. Collection method: clinical testing. Allele origin: germline. Not counted in ClinVar's aggregate classification.
Comment: This variant is classified as likely benign based on ACMG/AMP sequence variant interpretation guidelines (Richards et al. 2015 PMID: 25741868, with internal and published modifications).

Natera, Inc.
Classification: Likely benign for CFTR-related disorders. Last evaluated: 2017-11-21. Review status: no assertion criteria provided. Collection method: clinical testing. Allele origin: germline. Not counted in ClinVar's aggregate classification.

Counsyl
Classification: Likely benign for Cystic fibrosis. Last evaluated: 2017-04-06. Review status: no assertion criteria provided. Collection method: clinical testing. Allele origin: unknown. Not counted in ClinVar's aggregate classification.

NM_000492.4(CFTR):c.3564G>A (p.Ser1188=)

Genes: CFTR (CF transmembrane conductance regulator; plus strand), CFTR-AS2 (CFTR antisense RNA 2; minus strand). Cytogenetic location: 7q31.2.
Variant type: single nucleotide variant.
Coding change: c.3564G>A on transcript NM_000492.4 (MANE Select); coding-DNA position 3564, G replaced by A.
Protein change: p.Ser1188=; no amino-acid change (serine 1188 retained).
Molecular consequence: synonymous variant.
Genome position (GRCh38, 1-based): chr7:117,627,617, G>A. VCF-style: chr7-117627617-G-A. GRCh37 (hg19) VCF-style: chr7-117267671-G-A.
Identifiers: ClinVar variation 93152 (VCV000093152.23), dbSNP rs146804928, ClinGen allele CA221027.